The following is an entry in ClinVar:

NM_004369.4(COL6A3):c.4293G>A (p.Glu1431=)

Gene: COL6A3 (collagen type VI alpha 3 chain; minus strand). Cytogenetic location: 2q37.3.
Variant type: single nucleotide variant.
Coding change: c.4293G>A on transcript NM_004369.4 (MANE Select); coding-DNA position 4293, G replaced by A.
Protein change: p.Glu1431=; no amino-acid change (glutamic acid 1431 retained).
Molecular consequence: synonymous variant.
Genome position (GRCh38, 1-based): chr2:237,369,170, C>T on the plus strand (G>A on the coding strand, the complement: COL6A3 is on the minus strand). VCF-style: chr2-237369170-C-T. GRCh37 (hg19) VCF-style: chr2-238277813-C-T.
Other names: c.2472G>A, p.Glu824= (NM_057166.5); c.3675G>A, p.Glu1225= (NM_057167.4).
Identifiers: ClinVar variation 730149 (VCV000730149.31), dbSNP rs751433682, ClinGen allele CA2188924.

ClinVar aggregate classification (germline): Likely benign. Review status: criteria provided, multiple submitters, no conflicts (2 of 4 stars). 2 submissions from 2 submitters: Likely benign (2). Last evaluated 2025-12-25.

Conditions:
Bethlem myopathy 1A. Also called: Bethlem Muscular Dystrophy; MYOPATHY, BENIGN CONGENITAL, WITH CONTRACTURES; Bethlem myopathy 1. Identifiers: Orphanet 610, MedGen CN029274, MONDO:0024530, OMIM 158810.

Allele frequency attached by ClinVar (database versions not stated): gnomAD 0.00003; TOPMed 0.00003; gnomAD exomes 0.00006 and 0.00008; ExAC 0.00007.
gnomAD v4.1: 98 of 1,610,766 alleles (0.0061%); highest among the groups gnomAD compares: Middle Eastern, 0.033%; no homozygotes.

Submissions (2):

Labcorp Genetics (formerly Invitae), Labcorp
Classification: Likely benign for Bethlem myopathy 1A. Last evaluated: 2025-12-25. Review status: criteria provided, single submitter. Criteria: Invitae Variant Classification Sherloc (09022015). Collection method: clinical testing. Allele origin: germline.

CeGaT Center for Human Genetics Tuebingen
Classification: Likely benign. Last evaluated: 2022-07-01. Review status: criteria provided, single submitter. Criteria: CeGaT Center For Human Genetics Tuebingen Variant Classification Criteria Version 2. Collection method: clinical testing. Allele origin: germline. Affected: yes. Observed: 1 variant allele.
Comment: COL6A3: BP4, BP7